The following is an entry in ClinVar:

ClinVar aggregate classification (germline): Uncertain significance. Review status: criteria provided, multiple submitters, no conflicts (2 of 4 stars). 2 submissions from 2 submitters: Uncertain significance (2). Last evaluated 2019-10-10.

Conditions:
Familial melanoma. Also called: Hereditary melanoma; Hereditary cutaneous melanoma. Identifiers: Orphanet 618, MedGen C1512419, MONDO:0018961.
Hereditary cancer-predisposing syndrome. Also called: Hereditary neoplastic syndrome; Neoplastic Syndromes, Hereditary; Hereditary Cancer Syndrome; Tumor predisposition. Identifiers: Orphanet 140162, MedGen C0027672, MeSH D009386, MONDO:0015356.

Submissions (2):

Color Diagnostics, LLC DBA Color Health
Classification: Uncertain significance for Hereditary cancer-predisposing syndrome. Last evaluated: 2019-10-10. Review status: criteria provided, single submitter. Criteria: ACMG Guidelines, 2015. Collection method: clinical testing. Allele origin: germline.
Comment: This missense variant replaces arginine with proline at codon 144 of the CDKN2A protein. Computational prediction suggests that this variant may not impact protein structure and function (internally defined REVEL score threshold <= 0.5, PMID: 27666373). Splice site prediction tools suggest that this variant may not impact RNA splicing. To our knowledge, functional studies have not been performed for this variant. This variant has not been reported in individuals affected with hereditary cancer in the literature. This variant has not been identified in the general population by the Genome Aggregation Database (gnomAD). The available evidence is insufficient to determine the role of this variant in disease conclusively. Therefore, this variant is classified as a Variant of Uncertain Significance.

Labcorp Genetics (formerly Invitae), Labcorp
Classification: Uncertain significance for Familial melanoma. Last evaluated: 2018-04-30. Review status: criteria provided, single submitter. Criteria: Invitae Variant Classification Sherloc (09022015). Collection method: clinical testing. Allele origin: germline.
Comment: In summary, the available evidence is currently insufficient to determine the role of this variant in disease. Therefore, it has been classified as a Variant of Uncertain Significance. Algorithms developed to predict the effect of missense changes on protein structure and function (SIFT, PolyPhen-2, Align-GVGD) all suggest that this variant is likely to be tolerated, but these predictions have not been confirmed by published functional studies and their clinical significance is uncertain. This variant has not been reported in the literature in individuals with CDKN2A (p16INK4a)-related disease. This variant is not present in population databases (ExAC no frequency). This sequence change replaces arginine with proline at codon 144 of the CDKN2A (p16INK4a) protein (p.Arg144Pro). The arginine residue is weakly conserved and there is a moderate physicochemical difference between arginine and proline.

NM_000077.5(CDKN2A):c.431G>C (p.Arg144Pro)

Gene: CDKN2A (cyclin dependent kinase inhibitor 2A; minus strand). Cytogenetic location: 9p21.3.
Variant type: single nucleotide variant.
Coding change: c.431G>C on transcript NM_000077.5; coding-DNA position 431, G replaced by C.
Protein change: p.Arg144Pro; replaces arginine 144 with proline.
Molecular consequence: missense variant (on NM_000077.6). On other transcripts: 3 prime UTR variant (2).
Genome position (GRCh38, 1-based): chr9:21,970,928, C>G on the plus strand (G>C on the coding strand, the complement: CDKN2A is on the minus strand). VCF-style: chr9-21970928-C-G. GRCh37 (hg19) VCF-style: chr9-21970927-C-G.
Other names: c.431G>C, p.Arg144Pro (NM_000077.6, NM_001195132.2); c.278G>C, p.Arg93Pro (NM_001363763.2); c.*75G>C (NM_058195.4); c.*354G>C (NM_058197.5); short protein forms R144P, R93P.
Identifiers: ClinVar variation 576389 (VCV000576389.12), dbSNP rs1060501274, ClinGen allele CA373085855.